The following is an entry in ClinVar:

ClinVar aggregate classification (germline): Uncertain significance. Review status: criteria provided, single submitter (1 of 4 stars). 2 submissions from 1 submitter: Uncertain significance (2). Last evaluated 2023-09-13.

Conditions:
Malignant hyperthermia, susceptibility to, 1 (MHS1). Also called: RYR1-Related Malignant Hyperthermia Susceptibility; Malignant hyperthermia suceptibility 1; Anesthesia related hyperthermia; Malignant hyperpyrexia; Fulminating hyperpyrexia; Pharmacogenic myopathy. Identifiers: Orphanet 423, MedGen C2930980, MONDO:0007783, OMIM 145600.
Congenital multicore myopathy with external ophthalmoplegia (CMYO1B). Also called: Congenital myopathy 1B, autosomal recessive; Minicore myopathy; MULTICORE MYOPATHY; Minicore myopathy with external ophthalmoplegia; MULTIMINICORE DISEASE WITH EXTERNAL OPHTHALMOPLEGIA. Identifiers: Orphanet 598, Orphanet 98905, MedGen C1850674, MONDO:0009712, OMIM 255320, HP:0003789.

Submissions (2):

Baylor Genetics
Classification: Uncertain significance for Malignant hyperthermia, susceptibility to, 1. Last evaluated: 2023-09-13. Review status: criteria provided, single submitter. Criteria: ACMG Guidelines, 2015. Collection method: clinical testing. Allele origin: unknown.

Baylor Genetics
Classification: Uncertain significance for Congenital multicore myopathy with external ophthalmoplegia. Last evaluated: 2019-08-08. Review status: criteria provided, single submitter. Criteria: ACMG Guidelines, 2015. Collection method: clinical testing. Allele origin: unknown. Affected: yes.
Comment: This variant was determined to be of uncertain significance according to ACMG Guidelines, 2015 [PMID:25741868].

NM_000540.3(RYR1):c.487C>A (p.Arg163Ser)

Gene: RYR1 (ryanodine receptor 1; plus strand). Cytogenetic location: 19q13.2.
Variant type: single nucleotide variant.
Coding change: c.487C>A on transcript NM_000540.3 (MANE Select); coding-DNA position 487, C replaced by A.
Protein change: p.Arg163Ser; replaces arginine 163 with serine.
Molecular consequence: missense variant.
Genome position (GRCh38, 1-based): chr19:38,444,211, C>A. VCF-style: chr19-38444211-C-A. GRCh37 (hg19) VCF-style: chr19-38934851-C-A.
Other names: c.487C>A, p.Arg163Ser (NM_001042723.2); short protein forms R163S.
Identifiers: ClinVar variation 1030861 (VCV001030861.2), dbSNP rs118192161, ClinGen allele CA405676888.
Genomic context (GRCh38, chr19:38,444,211, plus strand): 5'-GAGGCTTGCTGGTGGACCATGCACCCAGCCTCCAAGCAGAGGTCTGAAGGAGAAAAGGTC[C>A]GCGTTGGGGATGACATCATCCTTGTCAGTGTCTCCTCCGAGCGCTACCTGGTGAGCCATT-3'
Protein context (NP_000531.2, residues 153-173): SKQRSEGEKV[Arg163Ser]VGDDIILVSV